The following is an entry in ClinVar:

ClinVar aggregate classification (germline): Uncertain significance (1 of 4 stars; one submission).

Conditions:
Autosomal recessive congenital ichthyosis 4B (ARCI4B). Also called: HARLEQUIN ICHTHYOSIS; Harlequin Fetus; ICHTHYOSIS CONGENITA, HARLEQUIN FETUS TYPE; Ichthyosis, congenital, autosomal recessive 4B (harlequin). Identifiers: Orphanet 457, MedGen C0598226, MONDO:0009443, OMIM 242500.

Submission:

Genetics Department, University Hospital of Toulouse
Classification: Uncertain significance for Autosomal recessive congenital ichthyosis 4B. Last evaluated: 2024-12-04. Review status: criteria provided, single submitter. Criteria: ACMG Guidelines, 2015. Collection method: clinical testing. Allele origin: maternal. Inheritance: Autosomal recessive inheritance. Affected: yes. Observed: 1 compound heterozygote.
Comment: The NM_173076.3(ABCA12):c.7304_7306del is an inframe deletion predicted to result in the deletion of the glutamic acid at amino acid position 2435, within the ABC transporter 2 domain of ABCA12. This variant is absent from databases (dbSNP, GnomAD) (PM2). It has been reported to be in trans with a pathogenic ABCA12 variant as compound heterozygous, in an affected individual with congenital ichthyosis 4A (MIM#601277) (PMID: 39749396) (PM3). To our knowledge, no experimental evidence demonstrating an impact on protein function has been reported. In summary, the available evidence is currently insufficient to determine the role of this variant in disease. Therefore, it has been classified as a Variant of Uncertain Significance.

Literature cited by the submitters: PubMed 39749396.

NM_173076.3(ABCA12):c.7301AAG[1] (p.Glu2435del)

Genes: ABCA12 (ATP binding cassette subfamily A member 12; minus strand), SNHG31 (small nucleolar RNA host gene 31; plus strand). Cytogenetic location: 2q35.
Variant type: Microsatellite.
Coding change: c.7301AAG[1] on transcript NM_173076.3 (MANE Select); one copy of the 3-base unit AAG starting at c.7301; the reference has two copies in a row; one copy, 3 bases deleted; also written c.7304_7306del.
Protein change: p.Glu2435del; deletes glutamic acid 2435.
Molecular consequence: non-coding transcript variant (on NR_103740.2).
Genome position (GRCh38, 1-based): chr2:214,945,038-214,945,040, CTT deleted on the plus strand (AAG on the coding strand, the reverse complement: ABCA12 is on the minus strand); deleting any 3 consecutive bases within chr2:214,945,038-214,945,045 gives the same sequence; the position shown is the placement nearest the transcript's 3' end. VCF-style (leftmost placement, unchanged base first): chr2-214945037-ACTT-A. GRCh37 (hg19) VCF-style: chr2-215809761-ACTT-A.
Other names: c.6347AAG[1], p.Glu2117del (NM_015657.4); c.7304_7306del (NM_173076.3); short protein forms E2435del, E2117del.
Identifiers: ClinVar variation 3572876 (VCV003572876.2).